The following is an entry in ClinVar:

NM_000518.5(HBB):c.342dup (p.Leu115fs)

Genes: HBB (hemoglobin subunit beta; minus strand), LOC107133510 (origin of replication at HBB; plus strand), LOC110006319 (beta-globin gene 3' regulatory region; plus strand). Cytogenetic location: 11p15.4.
Variant type: Duplication.
Coding change: c.342dup on transcript NM_000518.5 (MANE Select); coding-DNA position 342, one base duplicated (G; older notation c.342dupG).
Protein change: p.Leu115fs; shifts the reading frame from leucine 115.
Molecular consequence: frameshift variant.
Genome position (GRCh38, 1-based): chr11:5,225,700, C duplicated on the plus strand (G on the coding strand, the reverse complement: HBB is on the minus strand). VCF-style (leftmost placement, unchanged base first): chr11-5225699-G-GC. GRCh37 (hg19) VCF-style: chr11-5246929-G-GC.
Other names: short protein forms L115fs.
Identifiers: ClinVar variation 2681990 (VCV002681990.1), dbSNP rs2494292446, ClinGen allele CA2697548369.

ClinVar aggregate classification (germline): Pathogenic (1 of 4 stars; one submission).

Submission:

Quest Diagnostics Nichols Institute San Juan Capistrano
Classification: Pathogenic. Last evaluated: 2022-12-09. Review status: criteria provided, single submitter. Criteria: Quest Diagnostics criteria. Collection method: clinical testing. Allele origin: unknown.
Comment: This frameshift variant alters the translational reading frame of the HBB mRNA and causes the premature termination of HBB protein synthesis. The variant has not been reported in individuals with HBB-related diseases in the published literature. It also has not been reported in large, multi-ethnic general populations. Based on the available information, this variant is classified as pathogenic.